The following is an entry in ClinVar:

NM_017763.6(RNF43):c.2082A>G (p.Pro694=)

Gene: RNF43 (ring finger protein 43; minus strand). Cytogenetic location: 17q22.
Variant type: single nucleotide variant.
Coding change: c.2082A>G on transcript NM_017763.6 (MANE Select); coding-DNA position 2082, A replaced by G.
Protein change: p.Pro694=; no amino-acid change (proline 694 retained).
Molecular consequence: synonymous variant.
Genome position (GRCh38, 1-based): chr17:58,357,694, T>C on the plus strand (A>G on the coding strand, the complement: RNF43 is on the minus strand). VCF-style: chr17-58357694-T-C. GRCh37 (hg19) VCF-style: chr17-56435055-T-C.
Other names: c.2082A>G (NM_017763.4); c.2082A>G, p.Pro694= (NM_001305544.3); c.1701A>G, p.Pro567= (NM_001305545.2).
Identifiers: ClinVar variation 1697612 (VCV001697612.9), dbSNP rs2143390844, ClinGen allele CA501320774.

ClinVar aggregate classification (germline): Benign/Likely benign. Review status: criteria provided, multiple submitters, no conflicts (2 of 4 stars). 3 submissions from 3 submitters: Benign (1); Likely benign (2). Last evaluated 2026-07-02.

Conditions:
Sessile serrated polyposis cancer syndrome (SSPCS). Identifiers: Orphanet 157798, MedGen C4310714, MONDO:0014919, OMIM 617108.

Submissions (3):

Myriad Genetics, Inc.
Classification: Benign for Sessile serrated polyposis cancer syndrome. Last evaluated: 2026-07-02. Review status: criteria provided, single submitter. Criteria: Myriad Autosomal Dominant, Autosomal Recessive and X-Linked Classification Criteria (2023). Collection method: clinical testing. Allele origin: unknown.
Comment: This variant is considered benign. This variant is a silent/synonymous amino acid change and it is not expected to impact splicing.

Center for Genomic Medicine, Rigshospitalet, Copenhagen University Hospital
Classification: Likely benign. Last evaluated: 2025-03-04. Review status: criteria provided, single submitter. Criteria: ACMG Guidelines, 2015. Collection method: clinical testing. Allele origin: germline.

Ambry Genetics
Classification: Likely benign. Last evaluated: 2024-11-23. Review status: criteria provided, single submitter. Criteria: Ambry Variant Classification Scheme 2023. Collection method: clinical testing. Allele origin: germline.